The following is an entry in ClinVar:

NM_002579.3(PALM):c.794G>A (p.Arg265Gln)

Gene: PALM (paralemmin; plus strand). Cytogenetic location: 19p13.3.
Variant type: single nucleotide variant.
Coding change: c.794G>A on transcript NM_002579.3 (MANE Select); coding-DNA position 794, G replaced by A.
Protein change: p.Arg265Gln; replaces arginine 265 with glutamine.
Molecular consequence: missense variant.
Genome position (GRCh38, 1-based): chr19:746,444, G>A. VCF-style: chr19-746444-G-A. GRCh37 (hg19) VCF-style: chr19-746444-G-A.
Other names: c.662G>A, p.Arg221Gln (NM_001040134.2); short protein forms R221Q, R265Q.
Identifiers: ClinVar variation 1918340 (VCV001918340.5), dbSNP rs763647731, ClinGen allele CA9022782.

ClinVar aggregate classification (germline): Uncertain significance (1 of 4 stars; one submission).

Allele frequency attached by ClinVar (database versions not stated): gnomAD exomes 0.00002; gnomAD 0.00003; TOPMed 0.00003; ExAC 0.00004.

Submission:

Labcorp Genetics (formerly Invitae), Labcorp
Classification: Uncertain significance. Last evaluated: 2022-07-12. Review status: criteria provided, single submitter. Criteria: Invitae Variant Classification Sherloc (09022015). Collection method: clinical testing. Allele origin: germline.
Comment: This sequence change replaces arginine, which is basic and polar, with glutamine, which is neutral and polar, at codon 265 of the PALM protein (p.Arg265Gln). This variant is present in population databases (rs763647731, gnomAD 0.03%). This variant has not been reported in the literature in individuals affected with PALM-related conditions. Algorithms developed to predict the effect of missense changes on protein structure and function output the following: SIFT: "Tolerated"; PolyPhen-2: "Benign"; Align-GVGD: "Class C0". The glutamine amino acid residue is found in multiple mammalian species, which suggests that this missense change does not adversely affect protein function. In summary, the available evidence is currently insufficient to determine the role of this variant in disease. Therefore, it has been classified as a Variant of Uncertain Significance.